The following is an entry in ClinVar:

NM_001321075.3(DLG4):c.1335C>T (p.Cys445=)

Gene: DLG4 (discs large MAGUK scaffold protein 4; minus strand). Cytogenetic location: 17p13.1.
Variant type: single nucleotide variant.
Coding change: c.1335C>T on transcript NM_001321075.3 (MANE Select); coding-DNA position 1335, C replaced by T.
Protein change: p.Cys445=; no amino-acid change (cysteine 445 retained).
Molecular consequence: synonymous variant. On other transcripts: non-coding transcript variant (1).
Genome position (GRCh38, 1-based): chr17:7,194,462, G>A on the plus strand (C>T on the coding strand, the complement: DLG4 is on the minus strand). VCF-style: chr17-7194462-G-A. GRCh37 (hg19) VCF-style: chr17-7097781-G-A.
Other names: c.1326C>T, p.Cys442= (NM_001128827.4); c.1455C>T, p.Cys485= (NM_001321074.1); c.1155C>T, p.Cys385= (NM_001321076.3, NM_001321077.3); c.1464C>T, p.Cys488= (NM_001365.5); c.1254C>T, p.Cys418= (NM_001369566.3).
Identifiers: ClinVar variation 2647318 (VCV002647318.25), dbSNP rs369619048, ClinGen allele CA8336971.
Genomic context (GRCh38, chr17:7,194,462, plus strand): 5'-AGCATCGATGACATGCAGCACATCCCCAAAGCGGAAGCTCAGGGCCTGGCTCAGGAAGCC[G>A]CAGTCCTTGGTCTTGTCGTAATCAAACAGGGCCCTGGAGGGCAAGTGGCTATCGGTCAGA-3'
Protein context (NP_001308004.1, residues 435-455): ALFDYDKTKD[Cys445=]GFLSQALSFR

ClinVar aggregate classification (germline): Likely benign. Review status: criteria provided, multiple submitters, no conflicts (2 of 4 stars). 2 submissions from 2 submitters: Likely benign (2). Last evaluated 2025-02-01.

Allele frequency attached by ClinVar (database versions not stated): ESP Exome Variant Server 0.00016; TOPMed 0.00023; gnomAD 0.00034; gnomAD exomes 0.00068; 1000 Genomes Project 30x 0.00172; 1000 Genomes Project 0.00180; ExAC 0.00198.
gnomAD v4.1: 1,046 of 1,609,876 alleles (0.065%); highest among the groups gnomAD compares: South Asian, 0.85%; 9 homozygotes.

Submissions (2):

CeGaT Center for Human Genetics Tuebingen
Classification: Likely benign. Last evaluated: 2025-02-01. Review status: criteria provided, single submitter. Criteria: CeGaT Center For Human Genetics Tuebingen Variant Classification Criteria Version 2. Collection method: clinical testing. Allele origin: germline. Affected: yes. Observed: 4 variant alleles.
Comment: DLG4: BP4, BP7

Blueprint Genetics
Classification: Likely benign. Last evaluated: 2024-11-25. Review status: criteria provided, single submitter. Criteria: ACMG Guidelines, 2015. Collection method: clinical testing. Allele origin: germline.